The following is an entry in ClinVar:

NM_170707.4(LMNA):c.1030del (p.Glu344fs)

Gene: LMNA (lamin A/C; plus strand). Cytogenetic location: 1q22.
Variant type: Deletion.
Coding change: c.1030del on transcript NM_170707.4 (MANE Select); coding-DNA position 1030, one base deleted (G; older notation c.1030delG).
Protein change: p.Glu344fs; shifts the reading frame from glutamic acid 344.
Molecular consequence: frameshift variant.
Genome position (GRCh38, 1-based): chr1:156,135,994, G deleted; the last of 3 consecutive G bases (chr1:156,135,992-156,135,994); deleting any one gives the same sequence. VCF-style (leftmost placement, unchanged base first): chr1-156135991-CG-C. GRCh37 (hg19) VCF-style: chr1-156105782-CG-C.
Other names: c.694del, p.Glu232fs (NM_001257374.3); c.787del, p.Glu263fs (NM_001282624.2); c.1030del, p.Glu344fs (NM_001282625.2, NM_001282626.2, NM_005572.4 and 1 more transcripts); short protein forms E232fs, E263fs, E344fs.
Identifiers: ClinVar variation 656120 (VCV000656120.8), dbSNP rs1572362885, ClinGen allele CA915941461.

ClinVar aggregate classification (germline): Pathogenic (1 of 4 stars; one submission).

Conditions:
Charcot-Marie-Tooth disease type 2. Also called: Charcot-Marie-Tooth type 2. Identifiers: Orphanet 64746, MedGen C0270914, MONDO:0018993.

Submission:

Labcorp Genetics (formerly Invitae), Labcorp
Classification: Pathogenic for Charcot-Marie-Tooth disease type 2. Last evaluated: 2022-06-27. Review status: criteria provided, single submitter. Criteria: Invitae Variant Classification Sherloc (09022015). Collection method: clinical testing. Allele origin: germline.
Comment: This sequence change creates a premature translational stop signal (p.Glu344Argfs*136) in the LMNA gene. It is expected to result in an absent or disrupted protein product. Loss-of-function variants in LMNA are known to be pathogenic (PMID: 18585512, 18926329). For these reasons, this variant has been classified as Pathogenic. ClinVar contains an entry for this variant (Variation ID: 656120). This variant has not been reported in the literature in individuals affected with LMNA-related conditions. This variant is not present in population databases (gnomAD no frequency).

Literature cited by the submitters: PubMed 18585512; PubMed 18926329.